The following is an entry in ClinVar:

NM_001048174.2(MUTYH):c.810C>A (p.Ser270Arg)

Gene: MUTYH (mutY DNA glycosylase; minus strand). Cytogenetic location: 1p34.1.
Variant type: single nucleotide variant.
Coding change: c.810C>A on transcript NM_001048174.2 (MANE Select); coding-DNA position 810, C replaced by A.
Protein change: p.Ser270Arg; replaces serine 270 with arginine.
Molecular consequence: missense variant. On other transcripts: non-coding transcript variant (7).
Genome position (GRCh38, 1-based): chr1:45,332,205, G>T on the plus strand (C>A on the coding strand, the complement: MUTYH is on the minus strand). VCF-style: chr1-45332205-G-T. GRCh37 (hg19) VCF-style: chr1-45797877-G-T.
Other names: c.768C>A, p.Ser256Arg (NM_001407080.1); c.810C>A, p.Ser270Arg (NM_001407081.1, NM_001407088.1, NM_001407089.1 and 6 more transcripts); c.465C>A, p.Ser155Arg (NM_001407082.1, NM_001350650.2, NM_001350651.2); c.852C>A, p.Ser284Arg (NM_001407083.1, NM_001407085.1); c.813C>A, p.Ser271Arg (NM_001407086.1, NM_001407071.1, NM_001407078.1 and 1 more transcripts); c.831C>A, p.Ser277Arg (NM_001407087.1); c.534C>A, p.Ser178Arg (NM_001407091.1, NM_001293192.2, NM_001293196.2); c.843C>A, p.Ser281Arg (NM_001407069.1, NM_001407077.1, NM_001293191.2); and 5 more; short protein forms S178R, S277R, S284R, S155R, S256R, S281R, S242R, S270R.
Identifiers: ClinVar variation 4113889 (VCV004113889.1).
Genomic context (GRCh38, chr1:45,332,205, plus strand): 5'-CCCCTTCCCCAGTAGGCTTACTCTCTGGCGTGCCCGGCACAGGCTCTCCACAGGGCACTG[G>T]CTGCACAGTGGGCGCTGTGGGGTACACACTGTGGCCCCTAGCTCCATGGCTGCTTGGTTG-3'
Protein context (NP_001041639.1, residues 260-280): TVCTPQRPLC[Ser270Arg]QCPVESLCRA

ClinVar aggregate classification (germline): Uncertain significance (1 of 4 stars; one submission).

Conditions:
Hereditary cancer-predisposing syndrome. Also called: Hereditary neoplastic syndrome; Neoplastic Syndromes, Hereditary; Tumor predisposition; Hereditary Cancer Syndrome. Identifiers: Orphanet 140162, MedGen C0027672, MeSH D009386, MONDO:0015356.

Submission:

Ambry Genetics
Classification: Uncertain significance for Hereditary cancer-predisposing syndrome. Last evaluated: 2025-08-27. Review status: criteria provided, single submitter. Criteria: Ambry Variant Classification Scheme 2023. Collection method: clinical testing. Allele origin: germline.
Comment: The p.S298R variant (also known as c.894C>A), located in coding exon 10 of the MUTYH gene, results from a C to A substitution at nucleotide position 894. The serine at codon 298 is replaced by arginine, an amino acid with dissimilar properties. This amino acid position is conserved. In addition, the in silico prediction for this alteration is inconclusive. Based on the available evidence, the clinical significance of this variant remains unclear.